The following is an entry in ClinVar:

NM_144672.4(OTOA):c.1834del (p.Glu612fs)

Gene: OTOA (otoancorin). Cytogenetic location: 16p12.2.
Variant type: Deletion.
Coding change: c.1834del on transcript NM_144672.4 (MANE Select); coding-DNA position 1834, one base deleted.
Protein change: p.Glu612fs; shifts the reading frame from glutamic acid 612.
Molecular consequence: frameshift variant.
Genome position: GRCh38 VCF-style: chr16-21722929-TG-T. GRCh37 (hg19) VCF-style: chr16-21734250-TG-T.
Other names: c.1597del, p.Glu533fs (NM_001161683.2); c.862del, p.Glu288fs (NM_170664.3); short protein forms E288fs, E533fs, E612fs.
Identifiers: ClinVar variation 3643485 (VCV003643485.2).

ClinVar aggregate classification (germline): Pathogenic (1 of 4 stars; one submission).

Submission:

Labcorp Genetics (formerly Invitae), Labcorp
Classification: Pathogenic. Last evaluated: 2024-02-27. Review status: criteria provided, single submitter. Criteria: Invitae Variant Classification Sherloc (09022015). Collection method: clinical testing. Allele origin: germline.
Comment: This sequence change creates a premature translational stop signal (p.Glu612Lysfs*32) in the OTOA gene. It is expected to result in an absent or disrupted protein product. Loss-of-function variants in OTOA are known to be pathogenic (PMID: 11972037). This variant is not present in population databases (gnomAD no frequency). This variant has not been reported in the literature in individuals affected with OTOA-related conditions. For these reasons, this variant has been classified as Pathogenic.

Literature cited by the submitters: PubMed 11972037.